The following is an entry in ClinVar:

NM_001199138.2(NLRC4):c.679A>G (p.Ile227Val)

Gene: NLRC4 (NLR family CARD domain containing 4; minus strand). Cytogenetic location: 2p22.3.
Variant type: single nucleotide variant.
Coding change: c.679A>G on transcript NM_001199138.2 (MANE Select); coding-DNA position 679, A replaced by G.
Protein change: p.Ile227Val; replaces isoleucine 227 with valine.
Molecular consequence: missense variant. On other transcripts: intron variant (1).
Genome position (GRCh38, 1-based): chr2:32,251,185, T>C on the plus strand (A>G on the coding strand, the complement: NLRC4 is on the minus strand). VCF-style: chr2-32251185-T-C. GRCh37 (hg19) VCF-style: chr2-32476254-T-C.
Other names: c.679A>G, p.Ile227Val (NM_001199139.2, NM_021209.5); c.262+1234A>G (NM_001302504.1); short protein forms I227V.
Identifiers: ClinVar variation 2144913 (VCV002144913.4), dbSNP rs1183404038, ClinGen allele CA346514634.

ClinVar aggregate classification (germline): Uncertain significance (1 of 4 stars; one submission).

Conditions:
Periodic fever-infantile enterocolitis-autoinflammatory syndrome. Also called: Autoinflammation with infantile enterocolitis. Identifiers: Orphanet 436166, MedGen C4015067, MONDO:0014472, OMIM 616050.
Familial cold autoinflammatory syndrome 4 (FCAS4). Identifiers: Orphanet 47045, Orphanet 576349, MedGen C4015276, MONDO:0014498, OMIM 616115.

Allele frequency attached by ClinVar (database versions not stated): gnomAD exomes below 0.00001; TOPMed below 0.00001; gnomAD 0.00001.
gnomAD v4.1: 9 of 1,614,106 alleles (0.00056%); highest among the groups gnomAD compares: Non-Finnish European, 0.00076%; no homozygotes.

Submission:

Labcorp Genetics (formerly Invitae), Labcorp
Classification: Uncertain significance for Periodic fever-infantile enterocolitis-autoinflammatory syndrome; Familial cold autoinflammatory syndrome 4. Last evaluated: 2025-09-10. Review status: criteria provided, single submitter. Criteria: Invitae Variant Classification Sherloc (09022015). Collection method: clinical testing. Allele origin: germline.
Comment: This sequence change replaces isoleucine, which is neutral and non-polar, with valine, which is neutral and non-polar, at codon 227 of the NLRC4 protein (p.Ile227Val). This variant is present in population databases (no rsID available, gnomAD 0.002%). This variant has not been reported in the literature in individuals affected with NLRC4-related conditions. ClinVar contains an entry for this variant (Variation ID: 2144913). Invitae Evidence Modeling of protein sequence and biophysical properties (such as structural, functional, and spatial information, amino acid conservation, physicochemical variation, residue mobility, and thermodynamic stability) indicates that this missense variant is not expected to disrupt NLRC4 protein function with a negative predictive value of 80%. In summary, the available evidence is currently insufficient to determine the role of this variant in disease. Therefore, it has been classified as a Variant of Uncertain Significance.